The following is an entry in ClinVar:

NM_000199.5(SGSH):c.1241G>A (p.Arg414His)

Gene: SGSH (N-sulfoglucosamine sulfohydrolase; minus strand). Cytogenetic location: 17q25.3.
Variant type: single nucleotide variant.
Coding change: c.1241G>A on transcript NM_000199.5 (MANE Select); coding-DNA position 1241, G replaced by A.
Protein change: p.Arg414His; replaces arginine 414 with histidine.
Molecular consequence: missense variant. On other transcripts: 3 prime UTR variant (2), non-coding transcript variant (1).
Genome position (GRCh38, 1-based): chr17:80,210,720, C>T on the plus strand (G>A on the coding strand, the complement: SGSH is on the minus strand). VCF-style: chr17-80210720-C-T. GRCh37 (hg19) VCF-style: chr17-78184519-C-T.
Other names: c.1241G>A (NM_000199.3); c.*328G>A (NM_001352921.3); c.*291G>A (NM_001352922.2); short protein forms R414H.
Identifiers: ClinVar variation 1435206 (VCV001435206.7), dbSNP rs200320139, ClinGen allele CA8817641.

ClinVar aggregate classification (germline): Uncertain significance. Review status: criteria provided, multiple submitters, no conflicts (2 of 4 stars). 2 submissions from 2 submitters: Uncertain significance (2). Last evaluated 2024-09-26.

Conditions:
Inborn genetic diseases. Identifiers: MedGen C0950123, MeSH D030342.
Mucopolysaccharidosis, MPS-III-A (MPS3A). Also called: HEPARAN SULFATE SULFATASE DEFICIENCY; SANFILIPPO SYNDROME A; SULFAMIDASE DEFICIENCY; MPS III A; MPS IIIA (Sanfilippo Syndrome Type A); Mucopolysaccharidosis type IIIA (Sanfilippo A). Identifiers: Orphanet 581, Orphanet 79269, MedGen C0086647, MONDO:0009655, OMIM 252900.

Allele frequency attached by ClinVar (database versions not stated): gnomAD 0.00004.
gnomAD v4.1: 29 of 1,613,844 alleles (0.0018%); highest among the groups gnomAD compares: Admixed American, 0.0083%; no homozygotes.

Submissions (2):

Ambry Genetics
Classification: Uncertain significance for Inborn genetic diseases. Last evaluated: 2024-09-26. Review status: criteria provided, single submitter. Criteria: Ambry Variant Classification Scheme 2023. Collection method: clinical testing. Allele origin: germline.

Labcorp Genetics (formerly Invitae), Labcorp
Classification: Uncertain significance for Mucopolysaccharidosis, MPS-III-A. Last evaluated: 2024-01-08. Review status: criteria provided, single submitter. Criteria: Invitae Variant Classification Sherloc (09022015). Collection method: clinical testing. Allele origin: germline.
Comment: This sequence change replaces arginine, which is basic and polar, with histidine, which is basic and polar, at codon 414 of the SGSH protein (p.Arg414His). This variant is present in population databases (rs200320139, gnomAD 0.01%). This variant has not been reported in the literature in individuals affected with SGSH-related conditions. ClinVar contains an entry for this variant (Variation ID: 1435206). Advanced modeling of protein sequence and biophysical properties (such as structural, functional, and spatial information, amino acid conservation, physicochemical variation, residue mobility, and thermodynamic stability) has been performed at Invitae for this missense variant, however the output from this modeling did not meet the statistical confidence thresholds required to predict the impact of this variant on SGSH protein function. In summary, the available evidence is currently insufficient to determine the role of this variant in disease. Therefore, it has been classified as a Variant of Uncertain Significance.